The following is an entry in ClinVar:

ClinVar aggregate classification (germline): Uncertain significance (1 of 4 stars; one submission).

Conditions:
Megaconial type congenital muscular dystrophy (MDCMC). Also called: MUSCULAR DYSTROPHY, CONGENITAL, WITH MITOCHONDRIAL STRUCTURAL ABNORMALITIES; CHKB-Related Muscular Dystrophy; CHKB-Related Muscle Diseases. Identifiers: Orphanet 280671, MedGen C1865233, MONDO:0011246, OMIM 602541.

Allele frequency attached by ClinVar (database versions not stated): gnomAD exomes below 0.00001 and 0.00001; ExAC 0.00001; gnomAD 0.00001 and 0.00002; TOPMed 0.00001.
gnomAD v4.1: 17 of 1,613,598 alleles (0.0011%); highest among the groups gnomAD compares: Non-Finnish European, 0.0014%; no homozygotes.

Submission:

Labcorp Genetics (formerly Invitae), Labcorp
Classification: Uncertain significance for Megaconial type congenital muscular dystrophy. Last evaluated: 2018-06-04. Review status: criteria provided, single submitter. Criteria: Invitae Variant Classification Sherloc (09022015). Collection method: clinical testing. Allele origin: germline.
Comment: Algorithms developed to predict the effect of missense changes on protein structure and function (SIFT, PolyPhen-2, Align-GVGD) all suggest that this variant is likely to be tolerated, but these predictions have not been confirmed by published functional studies and their clinical significance is uncertain. This variant has not been reported in the literature in individuals with CHKB-related disease. This variant is present in population databases (rs757983603, ExAC 0.001%). This sequence change replaces isoleucine with valine at codon 313 of the CHKB protein (p.Ile313Val). The isoleucine residue is moderately conserved and there is a small physicochemical difference between isoleucine and valine. In summary, the available evidence is currently insufficient to determine the role of this variant in disease. Therefore, it has been classified as a Variant of Uncertain Significance.

NM_005198.5(CHKB):c.937A>G (p.Ile313Val)

Genes: CHKB-CPT1B (CHKB-CPT1B readthrough (NMD candidate); minus strand), CHKB (choline kinase beta; minus strand). Cytogenetic location: 22q13.33.
Variant type: single nucleotide variant.
Coding change: c.937A>G on transcript NM_005198.5 (MANE Select); coding-DNA position 937, A replaced by G.
Protein change: p.Ile313Val; replaces isoleucine 313 with valine.
Molecular consequence: missense variant. On other transcripts: non-coding transcript variant (1).
Genome position (GRCh38, 1-based): chr22:50,579,821, T>C on the plus strand (A>G on the coding strand, the complement: CHKB is on the minus strand). VCF-style: chr22-50579821-T-C. GRCh37 (hg19) VCF-style: chr22-51018250-T-C.
Other names: short protein forms I313V.
Identifiers: ClinVar variation 576607 (VCV000576607.8), dbSNP rs757983603, ClinGen allele CA10323567.
Genomic context (GRCh38, chr22:50,579,821, plus strand): 5'-TTCTCTGCTCCTCTTGGGAGAGGGTCTCACCTTTCTTTGCCTCTGCCAGGTAATGACGAA[T>C]AAAATGCAACTACGATCAATGGCCAAGAGTCAGGAATTGGGGAGACTGTGGAGTATTTCC-3'
Protein context (NP_005189.2, residues 303-323): YPTQEQQLHF[Ile313Val]RHYLAEAKKG